The following is an entry in ClinVar:

ClinVar aggregate classification (germline): Uncertain significance (1 of 4 stars; one submission).

Allele frequency attached by ClinVar (database versions not stated): gnomAD exomes 0.00001.
gnomAD v4.1: 9 of 1,594,616 alleles (0.00056%); highest among the groups gnomAD compares: Non-Finnish European, 0.00077%; no homozygotes.

Submission:

Labcorp Genetics (formerly Invitae), Labcorp
Classification: Uncertain significance. Last evaluated: 2023-11-28. Review status: criteria provided, single submitter. Criteria: Invitae Variant Classification Sherloc (09022015). Collection method: clinical testing. Allele origin: germline.
Comment: This sequence change replaces proline, which is neutral and non-polar, with alanine, which is neutral and non-polar, at codon 500 of the LTBP4 protein (p.Pro500Ala). This variant is present in population databases (no rsID available, gnomAD 0.001%). This variant has not been reported in the literature in individuals affected with LTBP4-related conditions. Experimental studies and prediction algorithms are not available or were not evaluated, and the functional significance of this variant is currently unknown. In summary, the available evidence is currently insufficient to determine the role of this variant in disease. Therefore, it has been classified as a Variant of Uncertain Significance.

NM_001042545.2(LTBP4):c.1408C>G (p.Pro470Ala)

Gene: LTBP4 (latent transforming growth factor beta binding protein 4; plus strand). Cytogenetic location: 19q13.2.
Variant type: single nucleotide variant.
Coding change: c.1408C>G on transcript NM_001042545.2 (MANE Select); coding-DNA position 1408, C replaced by G.
Protein change: p.Pro470Ala; replaces proline 470 with alanine.
Molecular consequence: missense variant.
Genome position (GRCh38, 1-based): chr19:40,608,585, C>G. VCF-style: chr19-40608585-C-G. GRCh37 (hg19) VCF-style: chr19-41114491-C-G.
Other names: c.1609C>G, p.Pro537Ala (NM_001042544.1); c.1498C>G, p.Pro500Ala (NM_003573.2); short protein forms P470A, P537A, P500A.
Identifiers: ClinVar variation 2697021 (VCV002697021.3), dbSNP rs1193487206, ClinGen allele CA405936417.